The following is an entry in ClinVar:

ClinVar aggregate classification (germline): Uncertain significance (1 of 4 stars; one submission).

Conditions:
Alstrom syndrome (ALMS). Identifiers: Orphanet 64, MedGen C0268425, MONDO:0008763, OMIM 203800.

gnomAD v4.1: 11 of 1,614,114 alleles (0.00068%); highest among the groups gnomAD compares: African/African-American, 0.0093%; no homozygotes.

Submission:

Labcorp Genetics (formerly Invitae), Labcorp
Classification: Uncertain significance for Alstrom syndrome. Last evaluated: 2024-02-26. Review status: criteria provided, single submitter. Criteria: Invitae Variant Classification Sherloc (09022015). Collection method: clinical testing. Allele origin: germline.
Comment: This sequence change replaces threonine, which is neutral and polar, with isoleucine, which is neutral and non-polar, at codon 3090 of the ALMS1 protein (p.Thr3090Ile). This variant is not present in population databases (gnomAD no frequency). This variant has not been reported in the literature in individuals affected with ALMS1-related conditions. Algorithms developed to predict the effect of missense changes on protein structure and function output the following: SIFT: "Not Available"; PolyPhen-2: "Not Available"; Align-GVGD: "Not Available". The isoleucine amino acid residue is found in multiple mammalian species, which suggests that this missense change does not adversely affect protein function. In summary, the available evidence is currently insufficient to determine the role of this variant in disease. Therefore, it has been classified as a Variant of Uncertain Significance.

NM_001378454.1(ALMS1):c.9266C>T (p.Thr3089Ile)

Gene: ALMS1 (ALMS1 centrosome and basal body associated protein; plus strand). Cytogenetic location: 2p13.1.
Variant type: single nucleotide variant.
Coding change: c.9266C>T on transcript NM_001378454.1 (MANE Select); coding-DNA position 9266, C replaced by T.
Protein change: p.Thr3089Ile; replaces threonine 3089 with isoleucine.
Molecular consequence: missense variant.
Genome position (GRCh38, 1-based): chr2:73,491,225, C>T. VCF-style: chr2-73491225-C-T. GRCh37 (hg19) VCF-style: chr2-73718352-C-T.
Other names: c.9269C>T, p.Thr3090Ile (NM_015120.4); short protein forms T3089I, T3090I.
Identifiers: ClinVar variation 3706220 (VCV003706220.2).